The following is an entry in ClinVar:

NM_001142864.4(PIEZO1):c.3396C>T (p.Thr1132=)

Gene: PIEZO1 (piezo type mechanosensitive ion channel component 1 (Er blood group); minus strand). Cytogenetic location: 16q24.3.
Variant type: single nucleotide variant.
Coding change: c.3396C>T on transcript NM_001142864.4 (MANE Select); coding-DNA position 3396, C replaced by T.
Protein change: p.Thr1132=; no amino-acid change (threonine 1132 retained).
Molecular consequence: synonymous variant.
Genome position (GRCh38, 1-based): chr16:88,727,098, G>A on the plus strand (C>T on the coding strand, the complement: PIEZO1 is on the minus strand). VCF-style: chr16-88727098-G-A. GRCh37 (hg19) VCF-style: chr16-88793506-G-A.
Other names: p.Thr1132=.
Identifiers: ClinVar variation 4684145 (VCV004684145.4).

ClinVar aggregate classification (germline): Benign/Likely benign. Review status: criteria provided, multiple submitters, no conflicts (2 of 4 stars). 4 submissions from 4 submitters: Benign (1); Likely benign (3). Last evaluated 2025-05-22.

gnomAD v4.1: 208 of 1,549,764 alleles (0.013%); highest among the groups gnomAD compares: South Asian, 0.063%; no homozygotes.

Submissions (4):

Labcorp Genetics (formerly Invitae), Labcorp
Classification: Likely benign. Last evaluated: 2025-05-22. Review status: criteria provided, single submitter. Criteria: Invitae Variant Classification Sherloc (09022015). Collection method: clinical testing. Allele origin: germline.

Mayo Clinic Laboratories, Mayo Clinic
Classification: Likely benign. Last evaluated: 2025-02-18. Review status: criteria provided, single submitter. Criteria: ACMG Guidelines, 2015. Collection method: clinical testing. Allele origin: germline. Observed: 1 variant allele.
Comment: BP4, BP7

ARUP Laboratories, Molecular Genetics and Genomics, ARUP Laboratories
Classification: Benign. Last evaluated: 2025-01-10. Review status: criteria provided, single submitter. Criteria: ARUP Molecular Germline Variant Investigation Process 2024. Collection method: clinical testing. Allele origin: germline.

Blueprint Genetics
Classification: Likely benign. Last evaluated: 2024-11-19. Review status: criteria provided, single submitter. Criteria: ACMG Guidelines, 2015. Collection method: clinical testing. Allele origin: germline.